The following is an entry in ClinVar:

ClinVar aggregate classification (germline): Uncertain significance (1 of 4 stars; one submission).

Allele frequency attached by ClinVar (database versions not stated): gnomAD exomes 0.00001.
gnomAD v4.1: 7 of 1,613,860 alleles (0.00043%); highest among the groups gnomAD compares: East Asian, 0.013%; no homozygotes.

Submission:

Ambry Genetics
Classification: Uncertain significance. Last evaluated: 2024-02-13. Review status: criteria provided, single submitter. Criteria: Ambry Variant Classification Scheme 2023. Collection method: clinical testing. Allele origin: germline.
Comment: The p.D722E variant (also known as c.2166T>G), located in coding exon 13 of the NPAT gene, results from a T to G substitution at nucleotide position 2166. The aspartic acid at codon 722 is replaced by glutamic acid, an amino acid with highly similar properties. This amino acid position is conserved. In addition, this alteration is predicted to be tolerated by in silico analysis. Based on the available evidence, the clinical significance of this alteration remains unclear.

NM_002519.3(NPAT):c.2166T>G (p.Asp722Glu)

Gene: NPAT (nuclear protein, coactivator of histone transcription; minus strand). Cytogenetic location: 11q22.3.
Variant type: single nucleotide variant.
Coding change: c.2166T>G on transcript NM_002519.3 (MANE Select); coding-DNA position 2166, T replaced by G.
Protein change: p.Asp722Glu; replaces aspartic acid 722 with glutamic acid.
Molecular consequence: missense variant.
Genome position (GRCh38, 1-based): chr11:108,172,818, A>C on the plus strand (T>G on the coding strand, the complement: NPAT is on the minus strand). VCF-style: chr11-108172818-A-C. GRCh37 (hg19) VCF-style: chr11-108043545-A-C.
Other names: c.2166T>G, p.Asp722Glu (NM_001321307.1); short protein forms D722E.
Identifiers: ClinVar variation 3222513 (VCV003222513.1), dbSNP rs2077966252, ClinGen allele CA382513547.